The following is an entry in ClinVar:

NM_025152.3(NUBPL):c.*122G>C

Gene: NUBPL (NUBP iron-sulfur cluster assembly factor, mitochondrial; plus strand). Cytogenetic location: 14q12.
Variant type: single nucleotide variant.
Coding change: c.*122G>C on transcript NM_025152.3 (MANE Select); 122 bases downstream of the stop codon, G replaced by C.
Molecular consequence: 3 prime UTR variant. On other transcripts: non-coding transcript variant (1).
Genome position (GRCh38, 1-based): chr14:31,859,302, G>C. VCF-style: chr14-31859302-G-C. GRCh37 (hg19) VCF-style: chr14-32328508-G-C.
Other names: c.*122G>C (NM_001201573.2, NM_001201574.2).
Identifiers: ClinVar variation 313032 (VCV000313032.8), dbSNP rs4981131, ClinGen allele CA10645192.
Genomic context (GRCh38, chr14:31,859,302, plus strand): 5'-AATGTGGTGATGGAACCTACAGAAATAATAGAAATCATAACTGTTTTATTTCTAAGGAAA[G>C]AATGTCTTCATATTTGACTTGCTAAGCTAAGGTTCACAAAACTTTGATGTATCAATGTTA-3'

ClinVar aggregate classification (germline): Benign. Review status: criteria provided, multiple submitters, no conflicts (2 of 4 stars). 3 submissions from 3 submitters: Benign (3). Last evaluated 2018-06-23.

Conditions:
Mitochondrial complex I deficiency, nuclear type 1. Also called: NADH-COENZYME Q REDUCTASE DEFICIENCY; MITOCHONDRIAL NADH DEHYDROGENASE COMPONENT OF COMPLEX I, DEFICIENCY OF. Identifiers: MedGen C6022305, MONDO:0100224, OMIM 252010.

Allele frequency attached by ClinVar (database versions not stated): 1000 Genomes Project 0.06250; 1000 Genomes Project 30x 0.06621; TOPMed 0.12090; gnomAD 0.12748 and 0.13131; gnomAD exomes 0.16308.
gnomAD v4.1: 131,257 of 840,014 alleles (16%); highest among the groups gnomAD compares: Non-Finnish European, 20%; 12,274 homozygotes.

Submissions (3):

GeneDx
Classification: Benign. Last evaluated: 2018-06-23. Review status: criteria provided, single submitter. Criteria: GeneDx Variant Classification Process June 2021. Collection method: clinical testing. Allele origin: germline. Affected: yes.

Illumina Laboratory Services, Illumina
Classification: Benign for Mitochondrial complex I deficiency, nuclear type 1. Last evaluated: 2018-01-13. Review status: criteria provided, single submitter. Criteria: ICSL Variant Classification Criteria 13 December 2019. Collection method: clinical testing. Allele origin: germline.
Comment: This variant was observed in the ICSL laboratory as part of a predisposition screen in an ostensibly healthy population. It had not been previously curated by ICSL or reported in the Human Gene Mutation Database (HGMD: prior to June 1st, 2018), and was therefore a candidate for classification through an automated scoring system. Utilizing variant allele frequency, disease prevalence and penetrance estimates, and inheritance mode, an automated score was calculated to assess if this variant is too frequent to cause the disease. Based on the score and internal cut-off values, a variant classified as benign is not then subjected to further curation. The score for this variant resulted in a classification of benign for this disease.

Breakthrough Genomics
Classification: Benign. Review status: criteria provided, single submitter. Criteria: ACMG Guidelines, 2015. Collection method: not provided. Allele origin: germline. Inheritance: Autosomal recessive inheritance. Affected: yes.